The following is an entry in ClinVar:

ClinVar aggregate classification (germline): Conflicting classifications of pathogenicity. Review status: criteria provided, conflicting classifications (1 of 4 stars). 4 submissions from 4 submitters: Pathogenic (1); Likely pathogenic (1); Uncertain significance (1). 1 of the submissions does not count toward it. Last evaluated 2026-06-03.

Conditions:
CDH23-related disorder. Also called: CDH23-related condition; CDH23-related disorders.
Autosomal recessive nonsyndromic hearing loss 12. Also called: DEAFNESS, AUTOSOMAL RECESSIVE 12. Identifiers: Orphanet 90636, MedGen C1832394, MONDO:0011067, OMIM 601386.

Allele frequency attached by ClinVar (database versions not stated): gnomAD 0.00001; gnomAD exomes 0.00001 and 0.00002; TOPMed 0.00003; ExAC 0.00006.
gnomAD v4.1: 22 of 1,610,674 alleles (0.0014%); highest among the groups gnomAD compares: African/African-American, 0.0027%; no homozygotes.

Submissions (4):

GeneDx
Classification: Likely pathogenic. Last evaluated: 2026-06-03. Review status: criteria provided, single submitter. Criteria: GeneDx Variant Classification Process June 2021. Collection method: clinical testing. Allele origin: germline.
Comment: Identified with additional CDH23 variants in patients with hearing loss in published literature but with limited segregation and clinical information (PMID: 36597107, 35020051); Reported without a second variant in a proband with Usher syndrome in published literature (PMID: 12075507); Not observed at significant frequency in large population cohorts (gnomAD); In silico analysis supports that this missense variant has a deleterious effect on protein structure/function; This variant is associated with the following publications: (PMID: 35020051, 36597107, 12075507, 34599366, 24767429, 39663698)

PreventionGenetics, part of Exact Sciences
Classification: Uncertain significance for CDH23-related condition. Last evaluated: 2026-03-09. Review status: criteria provided, single submitter. Criteria: ACMG Guidelines, 2015. Collection method: clinical testing. Allele origin: germline.
Comment: The CDH23 c.4783G>A variant is predicted to result in the amino acid substitution p.Glu1595Lys. This variant was reported in the compound heterozygous state in two individuals with non-syndromic hearing loss (Woo et al. 2014. PubMed ID: 24767429; Table S2, Ma et al. 2023. PubMed ID: 36597107). This has also been identified in two other unrelated patients with hearing loss but it is unclear if this variant was homozygous or occurred in the presence of a second pathogenic variant in these individuals (Astuto et al. 2002. PubMed ID: 12075507; Usami et al. 2022. PubMed ID: 35020051). This variant is reported in 0.0037% of alleles in individuals of European (Non-Finnish) descent in gnomAD. At this time, the clinical significance of this variant is uncertain due to the absence of conclusive functional and genetic evidence.

Labcorp Genetics (formerly Invitae), Labcorp
Classification: Pathogenic. Last evaluated: 2025-09-22. Review status: criteria provided, single submitter. Criteria: Invitae Variant Classification Sherloc (09022015). Collection method: clinical testing. Allele origin: germline.
Comment: This sequence change replaces glutamic acid, which is acidic and polar, with lysine, which is basic and polar, at codon 1595 of the CDH23 protein (p.Glu1595Lys). This variant is present in population databases (rs778204574, gnomAD 0.004%). This missense change has been observed in individual(s) with nonsyndromic deafness (PMID: 12075507, 24767429, 35020051; internal data). In at least one individual the data is consistent with being in trans (on the opposite chromosome) from a pathogenic variant. ClinVar contains an entry for this variant (Variation ID: 1406255). Invitae Evidence Modeling of protein sequence and biophysical properties (such as structural, functional, and spatial information, amino acid conservation, physicochemical variation, residue mobility, and thermodynamic stability) has been performed for this missense variant. However, the output from this modeling did not meet the statistical confidence thresholds required to predict the impact of this variant on CDH23 protein function. This variant disrupts the p.Glu1595 amino acid residue in CDH23. Other variant(s) that disrupt this residue have been observed in individuals with CDH23-related conditions (PMID: 34752165), which suggests that this may be a clinically significant amino acid residue. For these reasons, this variant has been classified as Pathogenic.

Wonkam Laboratory, Johns Hopkins University
Classification: Likely pathogenic for Autosomal recessive nonsyndromic hearing loss 12. Last evaluated: 2024-01-06. Review status: no assertion criteria provided. Collection method: research. Allele origin: paternal. Inheritance: Autosomal recessive inheritance. Affected: yes. Observed: 2 variant alleles. Not counted in ClinVar's aggregate classification.
Comment: Reputable source reports (Pubmed) this variant as pathogenic and was identified in multiple individuals affected with hearing loss (PM5), computational evidence support a deleterious effect on the gene or gene product (PP3), Absent from controls (or at extremely low frequency if recessive) in gnomAdv4.1.0 (PM2), Cosegregation with disease in multiple affected family members in a gene definitively known to cause the disease (PP1)

Literature cited by the submitters: PubMed 12075507 (cited by Labcorp Genetics (formerly Invitae), Labcorp and Wonkam Laboratory, Johns Hopkins University); PubMed 24767429 (cited by Labcorp Genetics (formerly Invitae), Labcorp and Wonkam Laboratory, Johns Hopkins University); PubMed 35020051 (cited by Labcorp Genetics (formerly Invitae), Labcorp); PubMed 34752165 (cited by Labcorp Genetics (formerly Invitae), Labcorp).

NM_022124.6(CDH23):c.4783G>A (p.Glu1595Lys)

Gene: CDH23 (cadherin related 23; plus strand). Cytogenetic location: 10q22.1.
Variant type: single nucleotide variant.
Coding change: c.4783G>A on transcript NM_022124.6 (MANE Select); coding-DNA position 4783, G replaced by A.
Protein change: p.Glu1595Lys; replaces glutamic acid 1595 with lysine.
Molecular consequence: missense variant.
Genome position (GRCh38, 1-based): chr10:71,741,859, G>A. VCF-style: chr10-71741859-G-A. GRCh37 (hg19) VCF-style: chr10-73501616-G-A.
Other names: c.4783G>A (NM_022124.5); short protein forms E1595K.
Identifiers: ClinVar variation 1406255 (VCV001406255.11), dbSNP rs778204574, ClinGen allele CA5545151.